The following is an entry in ClinVar:

NM_020208.4(SLC6A20):c.297C>A (p.Ser99=)

Gene: SLC6A20 (solute carrier family 6 member 20; minus strand). Cytogenetic location: 3p21.31.
Variant type: single nucleotide variant.
Coding change: c.297C>A on transcript NM_020208.4 (MANE Select); coding-DNA position 297, C replaced by A.
Protein change: p.Ser99=; no amino-acid change (serine 99 retained).
Molecular consequence: synonymous variant. On other transcripts: non-coding transcript variant (2).
Genome position (GRCh38, 1-based): chr3:45,780,066, G>T on the plus strand (C>A on the coding strand, the complement: SLC6A20 is on the minus strand). VCF-style: chr3-45780066-G-T. GRCh37 (hg19) VCF-style: chr3-45821558-G-T.
Other names: c.297C>A, p.Ser99= (NM_001385683.1, NM_001406066.1, NM_001406069.1 and 1 more transcripts); c.156C>A, p.Ser52= (NM_001406067.1).
Identifiers: ClinVar variation 3050868 (VCV003050868.2), dbSNP rs774269023, ClinGen allele CA2351673.

ClinVar aggregate classification (germline): Likely benign (0 of 4 stars; one submission).

Conditions:
SLC6A20-related disorder. Also called: SLC6A20-related condition.

Allele frequency attached by ClinVar (database versions not stated): TOPMed 0.00002; ExAC 0.00005.
gnomAD v4.1: 6 of 1,603,682 alleles (0.00037%); highest among the groups gnomAD compares: Middle Eastern, 0.033%; no homozygotes.

Submission:

PreventionGenetics, part of Exact Sciences
Classification: Likely benign for SLC6A20-related condition. Last evaluated: 2019-07-18. Review status: no assertion criteria provided. Collection method: clinical testing. Allele origin: germline.
Comment: This variant is classified as likely benign based on ACMG/AMP sequence variant interpretation guidelines (Richards et al. 2015 PMID: 25741868, with internal and published modifications).